The following is an entry in ClinVar:

NM_000169.3(GLA):c.158A>G (p.Asn53Ser)

Genes: GLA (galactosidase alpha; minus strand), RPL36A-HNRNPH2 (RPL36A-HNRNPH2 readthrough; plus strand). Cytogenetic location: Xq22.1.
Variant type: single nucleotide variant.
Coding change: c.158A>G on transcript NM_000169.3 (MANE Select); coding-DNA position 158, A replaced by G.
Protein change: p.Asn53Ser; replaces asparagine 53 with serine.
Molecular consequence: missense variant. On other transcripts: non-coding transcript variant (3), intron variant (2).
Genome position (GRCh38, 1-based): chrX:101,407,746, T>C on the plus strand (A>G on the coding strand, the complement: GLA is on the minus strand). VCF-style: chrX-101407746-T-C. GRCh37 (hg19) VCF-style: chrX-100662734-T-C.
Other names: c.158A>G, p.Asn53Ser (NM_001406747.1, NM_001406748.1, NM_001406749.1); c.301-4190T>C (NM_001199973.2); c.178-4190T>C (NM_001199974.2); short protein forms N53S.
Identifiers: ClinVar variation 1035897 (VCV001035897.9), dbSNP rs1928580573, ClinGen allele CA413936862.

ClinVar aggregate classification (germline): Uncertain significance (1 of 4 stars; one submission).

Conditions:
Fabry disease. Also called: ALPHA-GALACTOSIDASE A DEFICIENCY; ANDERSON-FABRY DISEASE; CERAMIDE TRIHEXOSIDASE DEFICIENCY; GLA DEFICIENCY; HEREDITARY DYSTOPIC LIPIDOSIS; Fabry's disease. Identifiers: Orphanet 324, MedGen C0002986, MONDO:0010526, OMIM 301500, HP:0001071. Disease mechanism: Fabry disease is due to inactivating mutations in the X-linked GLA gene resulting in deficiency of the enzyme Alpha Galactosidase-A., loss of function.

Submission:

Labcorp Genetics (formerly Invitae), Labcorp
Classification: Uncertain significance for Fabry disease. Last evaluated: 2020-09-30. Review status: criteria provided, single submitter. Criteria: Invitae Variant Classification Sherloc (09022015). Collection method: clinical testing. Allele origin: germline.
Comment: In summary, the available evidence is currently insufficient to determine the role of this variant in disease. Therefore, it has been classified as a Variant of Uncertain Significance. Algorithms developed to predict the effect of sequence changes on RNA splicing suggest that this variant may create or strengthen a splice site, but this prediction has not been confirmed by published transcriptional studies. Algorithms developed to predict the effect of missense changes on protein structure and function (SIFT, PolyPhen-2, Align-GVGD) all suggest that this variant is likely to be tolerated, but these predictions have not been confirmed by published functional studies and their clinical significance is uncertain. This variant has not been reported in the literature in individuals with GLA-related conditions. This variant is not present in population databases (ExAC no frequency). This sequence change replaces asparagine with serine at codon 53 of the GLA protein (p.Asn53Ser). The asparagine residue is moderately conserved and there is a small physicochemical difference between asparagine and serine.